The following is an entry in ClinVar:

NM_198253.3(TERT):c.598G>T (p.Glu200Ter)

Gene: TERT (telomerase reverse transcriptase; minus strand). Cytogenetic location: 5p15.33.
Variant type: single nucleotide variant.
Coding change: c.598G>T on transcript NM_198253.3 (MANE Select); coding-DNA position 598, G replaced by T.
Protein change: p.Glu200Ter; replaces glutamic acid 200 with a stop codon.
Molecular consequence: nonsense. On other transcripts: non-coding transcript variant (2).
Genome position (GRCh38, 1-based): chr5:1,294,288, C>A on the plus strand (G>T on the coding strand, the complement: TERT is on the minus strand). VCF-style: chr5-1294288-C-A. GRCh37 (hg19) VCF-style: chr5-1294403-C-A.
Other names: c.598G>T, p.Glu200Ter (NM_001193376.3); c.598G>T (NM_198253.2); short protein forms E200*.
Identifiers: ClinVar variation 1397003 (VCV001397003.7), dbSNP rs1322987070, ClinGen allele CA359057233.

ClinVar aggregate classification (germline): Pathogenic. Review status: criteria provided, multiple submitters, no conflicts (2 of 4 stars). 2 submissions from 2 submitters: Pathogenic (2). Last evaluated 2025-11-07.

Conditions:
Dyskeratosis congenita. Identifiers: Orphanet 1775, MedGen C0265965, MONDO:0015780.
Dyskeratosis congenita, autosomal dominant 2. Identifiers: MedGen C3151443, MONDO:0013521, OMIM 613989.
Idiopathic Pulmonary Fibrosis. Also called: Idiopathic fibrosing alveolitis, chronic form; idiopathic fibrosing alveolitis. Identifiers: Orphanet 2032, MedGen C1800706, MeSH D054990, MONDO:0800504.

Allele frequency attached by ClinVar (database versions not stated): gnomAD exomes below 0.00001.
gnomAD v4.1: 1 of 1,594,248 alleles (0.000063%); highest among the groups gnomAD compares: Non-Finnish European, 0.000085%; no homozygotes.

Submissions (2):

Ambry Genetics
Classification: Pathogenic for Dyskeratosis congenita. Last evaluated: 2025-11-07. Review status: criteria provided, single submitter. Criteria: Ambry Variant Classification Scheme 2023. Collection method: clinical testing. Allele origin: germline.
Comment: The p.E200* pathogenic mutation (also known as c.598G>T), located in coding exon 2 of the TERT gene, results from a G to T substitution at nucleotide position 598. This changes the amino acid from a glutamic acid to a stop codon within coding exon 2. This alteration is expected to result in loss of function by premature protein truncation or nonsense-mediated mRNA decay. As such, this alteration is interpreted as a disease-causing mutation.

Labcorp Genetics (formerly Invitae), Labcorp
Classification: Pathogenic for Dyskeratosis congenita, autosomal dominant 2; Idiopathic Pulmonary Fibrosis. Last evaluated: 2024-10-05. Review status: criteria provided, single submitter. Criteria: Invitae Variant Classification Sherloc (09022015). Collection method: clinical testing. Allele origin: germline.
Comment: This sequence change creates a premature translational stop signal (p.Glu200*) in the TERT gene. It is expected to result in an absent or disrupted protein product. Loss-of-function variants in TERT are known to be pathogenic (PMID: 16247010, 17460043). The frequency data for this variant in the population databases is considered unreliable, as metrics indicate poor data quality at this position in the gnomAD database. This variant has not been reported in the literature in individuals affected with TERT-related conditions. ClinVar contains an entry for this variant (Variation ID: 1397003). For these reasons, this variant has been classified as Pathogenic.

Literature cited by the submitters: PubMed 16247010 (cited by Labcorp Genetics (formerly Invitae), Labcorp); PubMed 17460043 (cited by Labcorp Genetics (formerly Invitae), Labcorp).